The following is an entry in ClinVar:

NM_001042545.2(LTBP4):c.2854dup (p.Ala952fs)

Gene: LTBP4 (latent transforming growth factor beta binding protein 4; plus strand). Cytogenetic location: 19q13.2.
Variant type: Duplication.
Coding change: c.2854dup on transcript NM_001042545.2 (MANE Select); coding-DNA position 2854, one base duplicated (G; older notation c.2854dupG).
Protein change: p.Ala952fs; shifts the reading frame from alanine 952.
Molecular consequence: frameshift variant.
Genome position (GRCh38, 1-based): chr19:40,616,930, G duplicated. VCF-style (leftmost placement, unchanged base first): chr19-40616929-A-AG. GRCh37 (hg19) VCF-style: chr19-41122835-A-AG.
Other names: c.3055dup, p.Ala1019fs (NM_001042544.1); c.2944dup, p.Ala982fs (NM_003573.2); short protein forms A1019fs, A952fs, A982fs.
Identifiers: ClinVar variation 3679723 (VCV003679723.2).

ClinVar aggregate classification (germline): Pathogenic (1 of 4 stars; one submission).

Submission:

Labcorp Genetics (formerly Invitae), Labcorp
Classification: Pathogenic. Last evaluated: 2024-06-12. Review status: criteria provided, single submitter. Criteria: Invitae Variant Classification Sherloc (09022015). Collection method: clinical testing. Allele origin: germline.
Comment: This sequence change creates a premature translational stop signal (p.Ala982Glyfs*5) in the LTBP4 gene. It is expected to result in an absent or disrupted protein product. Loss-of-function variants in LTBP4 are known to be pathogenic (PMID: 19836010, 22829427). This variant is not present in population databases (gnomAD no frequency). This variant has not been reported in the literature in individuals affected with LTBP4-related conditions. For these reasons, this variant has been classified as Pathogenic.

Literature cited by the submitters: PubMed 19836010; PubMed 22829427.